The following is an entry in ClinVar:

NM_001365951.3(KIF1B):c.715G>C (p.Glu239Gln)

Gene: KIF1B (kinesin family member 1B; plus strand). Cytogenetic location: 1p36.22.
Variant type: single nucleotide variant.
Coding change: c.715G>C on transcript NM_001365951.3 (MANE Select); coding-DNA position 715, G replaced by C.
Protein change: p.Glu239Gln; replaces glutamic acid 239 with glutamine.
Molecular consequence: missense variant.
Genome position (GRCh38, 1-based): chr1:10,268,258, G>C. VCF-style: chr1-10268258-G-C. GRCh37 (hg19) VCF-style: chr1-10328316-G-C.
Other names: c.715G>C, p.Glu239Gln (NM_001365952.1, NM_001365953.1, NM_015074.3 and 1 more transcripts); short protein forms E239Q.
Identifiers: ClinVar variation 4543689 (VCV004543689.1).

ClinVar aggregate classification (germline): Uncertain significance (1 of 4 stars; one submission).

Submission:

Ambry Genetics
Classification: Uncertain significance. Last evaluated: 2025-12-08. Review status: criteria provided, single submitter. Criteria: Ambry Variant Classification Scheme 2023. Collection method: clinical testing. Allele origin: germline.
Comment: The p.E239Q variant (also known as c.715G>C), located in coding exon 6 of the KIF1B gene, results from a G to C substitution at nucleotide position 715. The glutamic acid at codon 239 is replaced by glutamine, an amino acid with highly similar properties. This amino acid position is conserved. In addition, this alteration is predicted to be deleterious by in silico analysis. Based on the available evidence, the clinical significance of this variant remains unclear.